The following is an entry in ClinVar:

ClinVar aggregate classification (germline): Pathogenic (1 of 4 stars; one submission).

Submission:

Labcorp Genetics (formerly Invitae), Labcorp
Classification: Pathogenic. Last evaluated: 2022-05-12. Review status: criteria provided, single submitter. Criteria: Invitae Variant Classification Sherloc (09022015). Collection method: clinical testing. Allele origin: germline.
Comment: This variant is not present in population databases (gnomAD no frequency). This sequence change creates a premature translational stop signal (p.Leu46Cysfs*8) in the POLE gene. It is expected to result in an absent or disrupted protein product. Loss-of-function variants in POLE are known to be pathogenic (PMID: 23230001, 25948378, 30503519). This variant has not been reported in the literature in individuals affected with POLE-related conditions. For these reasons, this variant has been classified as Pathogenic.

Literature cited by the submitters: PubMed 23230001; PubMed 25948378; PubMed 30503519.

NM_006231.4(POLE):c.137del (p.Leu46fs)

Gene: POLE (DNA polymerase epsilon, catalytic subunit; minus strand). Cytogenetic location: 12q24.33.
Variant type: Deletion.
Coding change: c.137del on transcript NM_006231.4 (MANE Select); coding-DNA position 137, one base deleted (T; older notation c.137delT).
Protein change: p.Leu46fs; shifts the reading frame from leucine 46.
Molecular consequence: frameshift variant.
Genome position (GRCh38, 1-based): chr12:132,681,205, A deleted on the plus strand (T on the coding strand, the reverse complement: POLE is on the minus strand); the first of 3 consecutive A bases (chr12:132,681,205-132,681,207); deleting any one gives the same sequence. VCF-style (leftmost placement, unchanged base first): chr12-132681204-CA-C. GRCh37 (hg19) VCF-style: chr12-133257790-CA-C.
Other names: short protein forms L46fs.
Identifiers: ClinVar variation 1438385 (VCV001438385.8), dbSNP rs2136034222, ClinGen allele CA2573148301.
Genomic context (GRCh38, chr12:132,681,204, plus strand): 5'-CATGTTAATGAGCCAGCCTGTCTTCTCACCAGGCTCCTTCAGCCGCTCAAAACCAAACCG[CA>C]AATCCATCTTATCCGTCCACTGACTCCGTTCCAGGCGCTTGAGTGCCGAAACTGAGGAAG-3'